The following is an entry in ClinVar:

NM_198428.3(BBS9):c.2536del (p.Ile846fs)

Gene: BBS9 (Bardet-Biedl syndrome 9; plus strand). Cytogenetic location: 7p14.3.
Variant type: Deletion.
Coding change: c.2536del on transcript NM_198428.3 (MANE Select); coding-DNA position 2536, one base deleted (A; older notation c.2536delA).
Protein change: p.Ile846fs; shifts the reading frame from isoleucine 846.
Molecular consequence: frameshift variant. On other transcripts: non-coding transcript variant (3), intron variant (1).
Genome position (GRCh38, 1-based): chr7:33,604,879, A deleted; the last of 2 consecutive A bases (chr7:33,604,878-33,604,879); deleting either gives the same sequence. VCF-style (leftmost placement, unchanged base first): chr7-33604877-CA-C. GRCh37 (hg19) VCF-style: chr7-33644489-CA-C.
Other names: c.2431del, p.Ile811fs (NM_001033604.2); c.2521del, p.Ile841fs (NM_001033605.2); c.2536del, p.Ile846fs (NM_001348036.1, NM_001348041.4, NM_001348043.3); c.1987del, p.Ile663fs (NM_001348037.3); c.2263del, p.Ile755fs (NM_001348038.3); c.2158del, p.Ile720fs (NM_001348039.3); c.2416del, p.Ile806fs (NM_001348040.3, NM_014451.4); c.2401del, p.Ile801fs (NM_001348042.3); and 3 more; short protein forms I663fs, I720fs, I755fs, I689fs, I724fs, I811fs, I841fs, I801fs.
Identifiers: ClinVar variation 1405592 (VCV001405592.6), dbSNP rs1864348159, ClinGen allele CA1698838798.

ClinVar aggregate classification (germline): Pathogenic (1 of 4 stars; one submission).

Conditions:
Bardet-Biedl syndrome (BBS). Identifiers: Orphanet 110, MedGen C0752166, MONDO:0015229.

Submission:

Labcorp Genetics (formerly Invitae), Labcorp
Classification: Pathogenic for Bardet-Biedl syndrome. Last evaluated: 2023-05-20. Review status: criteria provided, single submitter. Criteria: Invitae Variant Classification Sherloc (09022015). Collection method: clinical testing. Allele origin: germline.
Comment: For these reasons, this variant has been classified as Pathogenic. ClinVar contains an entry for this variant (Variation ID: 1405592). This variant has not been reported in the literature in individuals affected with BBS9-related conditions. This variant is not present in population databases (gnomAD no frequency). This sequence change creates a premature translational stop signal (p.Ile846Serfs*6) in the BBS9 gene. It is expected to result in an absent or disrupted protein product. Loss-of-function variants in BBS9 are known to be pathogenic (PMID: 16380913, 20177705).

Literature cited by the submitters: PubMed 16380913; PubMed 20177705.